The following is an entry in ClinVar:

ClinVar aggregate classification (germline): Uncertain significance (1 of 4 stars; one submission).

Submission:

CeGaT Center for Human Genetics Tuebingen
Classification: Uncertain significance. Last evaluated: 2024-04-01. Review status: criteria provided, single submitter. Criteria: CeGaT Center For Human Genetics Tuebingen Variant Classification Criteria Version 2. Collection method: clinical testing. Allele origin: germline. Affected: yes. Observed: 1 variant allele.
Comment: HYDIN: PM2, PM4:Supporting

NM_001270974.2(HYDIN):c.1051GAT[1] (p.Asp352del)

Gene: HYDIN (HYDIN axonemal central pair apparatus protein; minus strand). Cytogenetic location: 16q22.2.
Variant type: Microsatellite.
Coding change: c.1051GAT[1] on transcript NM_001270974.2 (MANE Select); one copy of the 3-base unit GAT starting at c.1051; the reference has two copies in a row; one copy, 3 bases deleted.
Protein change: p.Asp352del; deletes aspartic acid 352.
Molecular consequence: inframe deletion.
Genome position (GRCh38, 1-based): chr16:71,129,811-71,129,813, ATC deleted on the plus strand (GAT on the coding strand, the reverse complement: HYDIN is on the minus strand); deleting any 3 consecutive bases within chr16:71,129,811-71,129,817 gives the same sequence; the position shown is the placement nearest the transcript's 3' end. VCF-style (leftmost placement, unchanged base first): chr16-71129810-GATC-G. GRCh37 (hg19) VCF-style: chr16-71163713-GATC-G.
Other names: c.1132GAT[1], p.Asp379del (NM_001198542.1); c.1102GAT[1], p.Asp369del (NM_001198543.1); c.1051GAT[1], p.Asp352del (NM_017558.5); short protein forms D352del, D369del, D379del.
Identifiers: ClinVar variation 3234126 (VCV003234126.20), dbSNP rs1424136253, ClinGen allele CA496255472.